The following is an entry in ClinVar:

ClinVar aggregate classification (germline): Uncertain significance. Review status: criteria provided, multiple submitters, no conflicts (2 of 4 stars). 3 submissions from 3 submitters: Uncertain significance (3). Last evaluated 2024-03-21.

Conditions:
Nemaline myopathy 2 (NEM2). Also called: Nemaline myopathy 2, autosomal recessive. Identifiers: MedGen C1850569, MONDO:0009725, OMIM 256030.
Inborn genetic diseases. Identifiers: MedGen C0950123, MeSH D030342.

Allele frequency attached by ClinVar (database versions not stated): gnomAD exomes below 0.00001; TOPMed below 0.00001.
gnomAD v4.1: 3 of 1,613,960 alleles (0.00019%); highest among the groups gnomAD compares: Non-Finnish European, 0.00025%; no homozygotes.

Submissions (3):

Ambry Genetics
Classification: Uncertain significance for Inborn genetic diseases. Last evaluated: 2024-03-21. Review status: criteria provided, single submitter. Criteria: Ambry Variant Classification Scheme 2023. Collection method: clinical testing. Allele origin: germline.

Labcorp Genetics (formerly Invitae), Labcorp
Classification: Uncertain significance for Nemaline myopathy 2. Last evaluated: 2022-10-03. Review status: criteria provided, single submitter. Criteria: Invitae Variant Classification Sherloc (09022015). Collection method: clinical testing. Allele origin: germline.
Comment: This sequence change replaces glutamine, which is neutral and polar, with leucine, which is neutral and non-polar, at codon 4074 of the NEB protein (p.Gln4074Leu). This variant is present in population databases (no rsID available, gnomAD 0.0009%). This variant has not been reported in the literature in individuals affected with NEB-related conditions. ClinVar contains an entry for this variant (Variation ID: 1308024). Algorithms developed to predict the effect of missense changes on protein structure and function are either unavailable or do not agree on the potential impact of this missense change (SIFT: "Deleterious"; PolyPhen-2: "Not Available"; Align-GVGD: "Class C0"). In summary, the available evidence is currently insufficient to determine the role of this variant in disease. Therefore, it has been classified as a Variant of Uncertain Significance.

GeneDx
Classification: Uncertain significance. Last evaluated: 2019-03-15. Review status: criteria provided, single submitter. Criteria: GeneDx Variant Classification Process June 2021. Collection method: clinical testing. Allele origin: germline. Affected: yes.
Comment: Not observed at a significant frequency in large population cohorts (Lek et al., 2016); In silico analysis, which includes protein predictors and evolutionary conservation, supports a deleterious effect; Missense variant in a gene in which most reported pathogenic variants are truncating/loss-of-function; Has not been previously published as pathogenic or benign to our knowledge

NM_001164508.2(NEB):c.12221A>T (p.Gln4074Leu)

Gene: NEB (nebulin; minus strand). Cytogenetic location: 2q23.3.
Variant type: single nucleotide variant.
Coding change: c.12221A>T on transcript NM_001164508.2 (MANE Select); coding-DNA position 12221, A replaced by T.
Protein change: p.Gln4074Leu; replaces glutamine 4074 with leucine.
Molecular consequence: missense variant.
Genome position (GRCh38, 1-based): chr2:151,609,918, T>A on the plus strand (A>T on the coding strand, the complement: NEB is on the minus strand). VCF-style: chr2-151609918-T-A. GRCh37 (hg19) VCF-style: chr2-152466432-T-A.
Other names: c.12221A>T, p.Gln4074Leu (NM_001164507.2, NM_001271208.2); c.11492A>T, p.Gln3831Leu (NM_004543.5); c.11492A>T (NM_004543.4); short protein forms Q3831L, Q4074L.
Identifiers: ClinVar variation 1308024 (VCV001308024.4), dbSNP rs1257852959, ClinGen allele CA348777102.